The following is an entry in ClinVar:

NM_020949.3(SLC7A14):c.282_284dup (p.Ala95_Val96insAla)

Genes: SLC7A14 (solute carrier family 7 member 14; minus strand), SLC7A14-AS1 (SLC7A14 antisense RNA 1; plus strand). Cytogenetic location: 3q26.2.
Variant type: Duplication.
Coding change: c.282_284dup on transcript NM_020949.3 (MANE Select); coding-DNA positions 282 to 284, 3 bases duplicated (AGC; older notation c.282_284dupAGC).
Protein change: p.Ala95_Val96insAla.
Molecular consequence: inframe insertion.
Genome position (GRCh38, 1-based): chr3:170,526,653-170,526,655, GCT duplicated on the plus strand (AGC on the coding strand, the reverse complement: SLC7A14 is on the minus strand); duplicating any 3 consecutive bases within chr3:170,526,653-170,526,657 gives the same sequence; the c. name uses the placement nearest the transcript's 3' end. VCF-style (leftmost placement, unchanged base first): chr3-170526652-G-GGCT. GRCh37 (hg19) VCF-style: chr3-170244441-G-GGCT.
Identifiers: ClinVar variation 2110828 (VCV002110828.4), dbSNP rs2473424065, ClinGen allele CA2580069073.
Genomic context (GRCh38, chr3:170,526,652, plus strand): 5'-AGCACACTTTCCACAGTACTTCCCTGCATGGAGACACTTACCTGATAATATGGATGCGAC[G>GGCT]GCTGCAATGATGAAGGACACAATGACACCAGGTCCTGCCATTTCCTTGGCCACCAGGCCA-3'

ClinVar aggregate classification (germline): Uncertain significance (1 of 4 stars; one submission).

Submission:

Labcorp Genetics (formerly Invitae), Labcorp
Classification: Uncertain significance. Last evaluated: 2024-02-26. Review status: criteria provided, single submitter. Criteria: Invitae Variant Classification Sherloc (09022015). Collection method: clinical testing. Allele origin: germline.
Comment: This variant, c.282_284dup, results in the insertion of 1 amino acid(s) of the SLC7A14 protein (p.Ala95dup), but otherwise preserves the integrity of the reading frame. This variant is not present in population databases (gnomAD no frequency). This variant has not been reported in the literature in individuals affected with SLC7A14-related conditions. ClinVar contains an entry for this variant (Variation ID: 2110828). In summary, the available evidence is currently insufficient to determine the role of this variant in disease. Therefore, it has been classified as a Variant of Uncertain Significance.